The following is an entry in ClinVar:

ClinVar aggregate classification (germline): Uncertain significance (1 of 4 stars; one submission).

Conditions:
Hereditary cancer-predisposing syndrome. Also called: Hereditary neoplastic syndrome; Neoplastic Syndromes, Hereditary; Tumor predisposition; Hereditary Cancer Syndrome. Identifiers: Orphanet 140162, MedGen C0027672, MeSH D009386, MONDO:0015356.

Submission:

Ambry Genetics
Classification: Uncertain significance for Hereditary cancer-predisposing syndrome. Last evaluated: 2025-03-08. Review status: criteria provided, single submitter. Criteria: Ambry Variant Classification Scheme 2023. Collection method: clinical testing. Allele origin: germline.
Comment: The p.L45S variant (also known as c.134T>C), located in coding exon 1 of the CDKN1B gene, results from a T to C substitution at nucleotide position 134. The leucine at codon 45 is replaced by serine, an amino acid with dissimilar properties. This amino acid position is conserved. In addition, the in silico prediction for this alteration is inconclusive. Based on the available evidence, the clinical significance of this variant remains unclear.

NM_004064.5(CDKN1B):c.134T>C (p.Leu45Ser)

Gene: CDKN1B (cyclin dependent kinase inhibitor 1B; plus strand). Cytogenetic location: 12p13.1.
Variant type: single nucleotide variant.
Coding change: c.134T>C on transcript NM_004064.5 (MANE Select); coding-DNA position 134, T replaced by C.
Protein change: p.Leu45Ser; replaces leucine 45 with serine.
Molecular consequence: missense variant.
Genome position (GRCh38, 1-based): chr12:12,717,973, T>C. VCF-style: chr12-12717973-T-C. GRCh37 (hg19) VCF-style: chr12-12870907-T-C.
Other names: short protein forms L45S.
Identifiers: ClinVar variation 3830974 (VCV003830974.1).